The following is an entry in ClinVar:

ClinVar aggregate classification (germline): Benign/Likely benign. Review status: criteria provided, multiple submitters, no conflicts (2 of 4 stars). 3 submissions from 2 submitters: Benign (2); Likely benign (1). Last evaluated 2024-08-28.

Conditions:
Hereditary hyperferritinemia with congenital cataracts. Also called: Hereditary hyperferritinemia cataract syndrome; Bonneau-Beaumont syndrome; HYPERFERRITINEMIA WITH OR WITHOUT CATARACT. Identifiers: Orphanet 163, MedGen C1833213, MONDO:0010952, OMIM 600886.
Neuroferritinopathy (NBIA3). Also called: NEURODEGENERATION WITH BRAIN IRON ACCUMULATION 3; BASAL GANGLIA DISEASE, ADULT-ONSET. Identifiers: Orphanet 157846, MedGen C1853578, MONDO:0011638, OMIM 606159.

Allele frequency attached by ClinVar (database versions not stated): TOPMed 0.00002.
gnomAD v4.1: 39 of 1,613,808 alleles (0.0024%); highest among the groups gnomAD compares: African/African-American, 0.0067%; no homozygotes.

Submissions (3):

Labcorp Genetics (formerly Invitae), Labcorp
Classification: Likely benign for Neuroferritinopathy; Hereditary hyperferritinemia with congenital cataracts. Last evaluated: 2024-08-28. Review status: criteria provided, single submitter. Criteria: Invitae Variant Classification Sherloc (09022015). Collection method: clinical testing. Allele origin: germline.

Illumina Laboratory Services, Illumina
Classification: Benign for Hereditary hyperferritinemia with congenital cataracts. Last evaluated: 2018-03-12. Review status: criteria provided, single submitter. Criteria: ICSL Variant Classification Criteria 13 December 2019. Collection method: clinical testing. Allele origin: germline.
Comment: This variant was observed in the ICSL laboratory as part of a predisposition screen in an ostensibly healthy population. It had not been previously curated by ICSL or reported in the Human Gene Mutation Database (HGMD: prior to June 1st, 2018), and was therefore a candidate for classification through an automated scoring system. Utilizing variant allele frequency, disease prevalence and penetrance estimates, and inheritance mode, an automated score was calculated to assess if this variant is too frequent to cause the disease. Based on the score and internal cut-off values, a variant classified as benign is not then subjected to further curation. The score for this variant resulted in a classification of benign for this disease.

Illumina Laboratory Services, Illumina
Classification: Benign for Neuroferritinopathy. Last evaluated: 2018-03-12. Review status: criteria provided, single submitter. Criteria: ICSL Variant Classification Criteria 13 December 2019. Collection method: clinical testing. Allele origin: germline.
Comment: the same text as in the submission from Illumina Laboratory Services, Illumina above.

NM_000146.4(FTL):c.103-14A>G

Gene: FTL (ferritin light chain; plus strand). Cytogenetic location: 19q13.33.
Variant type: single nucleotide variant.
Coding change: c.103-14A>G on transcript NM_000146.4 (MANE Select); 14 bases into the intron before coding-DNA position 103, A replaced by G.
Molecular consequence: intron variant.
Genome position (GRCh38, 1-based): chr19:48,965,756, A>G. VCF-style: chr19-48965756-A-G. GRCh37 (hg19) VCF-style: chr19-49469013-A-G.
Identifiers: ClinVar variation 894481 (VCV000894481.6), dbSNP rs769222073, ClinGen allele CA9562441.